The following is an entry in ClinVar:

NM_003673.4(TCAP):c.178C>G (p.Leu60Val)

Gene: TCAP (titin-cap; plus strand). Cytogenetic location: 17q12.
Variant type: single nucleotide variant.
Coding change: c.178C>G on transcript NM_003673.4 (MANE Select); coding-DNA position 178, C replaced by G.
Protein change: p.Leu60Val; replaces leucine 60 with valine.
Molecular consequence: missense variant.
Genome position (GRCh38, 1-based): chr17:39,665,783, C>G. VCF-style: chr17-39665783-C-G. GRCh37 (hg19) VCF-style: chr17-37822036-C-G.
Other names: short protein forms L60V.
Identifiers: ClinVar variation 2178390 (VCV002178390.2), dbSNP rs549769566, ClinGen allele CA399303926.

ClinVar aggregate classification (germline): Uncertain significance (1 of 4 stars; one submission).

Conditions:
Primary familial hypertrophic cardiomyopathy (HCM). Identifiers: Orphanet 99739, MedGen C0949658, MeSH D024741, MONDO:0024573. Inheritance: Various modes of inheritance.
Hypertrophic cardiomyopathy 25 (CMH25). Also called: CARDIOMYOPATHY, FAMILIAL HYPERTROPHIC, 25. Identifiers: MedGen C4225408, MONDO:0011843, OMIM 607487.

Submission:

Labcorp Genetics (formerly Invitae), Labcorp
Classification: Uncertain significance for Hypertrophic cardiomyopathy 25; Primary familial hypertrophic cardiomyopathy. Last evaluated: 2025-08-30. Review status: criteria provided, single submitter. Criteria: Invitae Variant Classification Sherloc (09022015). Collection method: clinical testing. Allele origin: germline.
Comment: This sequence change replaces leucine, which is neutral and non-polar, with valine, which is neutral and non-polar, at codon 60 of the TCAP protein (p.Leu60Val). This variant is not present in population databases (gnomAD no frequency). This variant has not been reported in the literature in individuals affected with TCAP-related conditions. ClinVar contains an entry for this variant (Variation ID: 2178390). An algorithm developed to predict the effect of missense changes on protein structure and function outputs the following: PolyPhen-2: "Benign". The valine amino acid residue is found in multiple mammalian species, which suggests that this missense change does not adversely affect protein function. In summary, the available evidence is currently insufficient to determine the role of this variant in disease. Therefore, it has been classified as a Variant of Uncertain Significance.